The following is an entry in ClinVar:

NM_025114.4(CEP290):c.5219A>C (p.Gln1740Pro)

Gene: CEP290 (centrosomal protein 290; minus strand). Cytogenetic location: 12q21.32.
Variant type: single nucleotide variant.
Coding change: c.5219A>C on transcript NM_025114.4 (MANE Select); coding-DNA position 5219, A replaced by C.
Protein change: p.Gln1740Pro; replaces glutamine 1740 with proline.
Molecular consequence: missense variant.
Genome position (GRCh38, 1-based): chr12:88,080,189, T>G on the plus strand (A>C on the coding strand, the complement: CEP290 is on the minus strand). VCF-style: chr12-88080189-T-G. GRCh37 (hg19) VCF-style: chr12-88473966-T-G.
Other names: short protein forms Q1740P.
Identifiers: ClinVar variation 2002776 (VCV002002776.4), dbSNP rs2499907436, ClinGen allele CA385990870.

ClinVar aggregate classification (germline): Uncertain significance (1 of 4 stars; one submission).

Conditions:
Joubert syndrome. Also called: CEREBELLOPARENCHYMAL DISORDER IV; JOUBERT-BOLTSHAUSER SYNDROME; Familial aplasia of the vermis. Identifiers: Orphanet 475, MedGen C5979921, MONDO:0018772.
Meckel-Gruber syndrome. Also called: DYSENCEPHALIA SPLANCHNOCYSTICA; GRUBER SYNDROME; Dysencephalia splachnocystica. Identifiers: Orphanet 564, MedGen C0265215, MONDO:0018921.
Nephronophthisis. Also called: Juvenile Nephronophthisis. Identifiers: Orphanet 655, MedGen C0687120, MONDO:0019005, HP:0000090.

Submission:

Labcorp Genetics (formerly Invitae), Labcorp
Classification: Uncertain significance for Joubert syndrome; Meckel-Gruber syndrome; Nephronophthisis. Last evaluated: 2022-06-08. Review status: criteria provided, single submitter. Criteria: Invitae Variant Classification Sherloc (09022015). Collection method: clinical testing. Allele origin: germline.
Comment: This variant is not present in population databases (gnomAD no frequency). This sequence change replaces glutamine, which is neutral and polar, with proline, which is neutral and non-polar, at codon 1740 of the CEP290 protein (p.Gln1740Pro). This variant has not been reported in the literature in individuals affected with CEP290-related conditions. Algorithms developed to predict the effect of missense changes on protein structure and function (SIFT, PolyPhen-2, Align-GVGD) all suggest that this variant is likely to be disruptive. In summary, the available evidence is currently insufficient to determine the role of this variant in disease. Therefore, it has been classified as a Variant of Uncertain Significance.